The following is an entry in ClinVar:

NM_006642.5(SDCCAG8):c.1155A>G (p.Lys385=)

Gene: SDCCAG8 (SHH signaling and ciliogenesis regulator SDCCAG8; plus strand). Cytogenetic location: 1q43.
Variant type: single nucleotide variant.
Coding change: c.1155A>G on transcript NM_006642.5 (MANE Select); coding-DNA position 1155, A replaced by G.
Protein change: p.Lys385=; no amino-acid change (lysine 385 retained).
Molecular consequence: synonymous variant.
Genome position (GRCh38, 1-based): chr1:243,330,626, A>G. VCF-style: chr1-243330626-A-G. GRCh37 (hg19) VCF-style: chr1-243493928-A-G.
Other names: c.252A>G, p.Lys84= (NM_001350246.2, NM_001350247.2, NM_001350251.2); c.1251A>G, p.Lys417= (NM_001350248.2); c.861A>G, p.Lys287= (NM_001350249.2).
Identifiers: ClinVar variation 4990339 (VCV004990339.1).
Genomic context (GRCh38, chr1:243,330,626, plus strand): 5'-GAAGGAGCTGGAGAGGCAGGCGGAGCGACTTGAAAAAGAACTTGCATCTCAGCAAGAGAA[A>G]AGGGCCATTGAGAAAGACATGATGAAAAAGGAAATAACGAAAGAAAGGGAGTACATGGGA-3'
Protein context (NP_006633.1, residues 375-395): LEKELASQQE[Lys385=]RAIEKDMMKK

ClinVar aggregate classification (germline): Likely benign (1 of 4 stars; one submission).

Conditions:
SDCCAG8-related disorder. Also called: SDCCAG8-Related Disorders; SDCCAG8-related condition.

gnomAD v4.1: 2 of 1,614,156 alleles (0.00012%); highest among the groups gnomAD compares: Non-Finnish European, 0.000085%; no homozygotes.

Submission:

PreventionGenetics, part of Exact Sciences
Classification: Likely benign for SDCCAG8-related condition. Last evaluated: 2026-09-24. Review status: criteria provided, single submitter. Criteria: ACMG Guidelines, 2015. Collection method: clinical testing. Allele origin: germline.
Comment: This variant is classified as likely benign based on ACMG/AMP sequence variant interpretation guidelines (Richards et al. 2015 PMID: 25741868, with internal and published modifications).